The following is an entry in ClinVar:

ClinVar aggregate classification (germline): Pathogenic (1 of 4 stars; one submission).

Conditions:
Walker-Warburg congenital muscular dystrophy. Also called: Muscular dystrophy-dystroglycanopathy, type A; Walker-Warburg syndrome. Identifiers: Orphanet 899, MedGen C0265221, MONDO:0000171.

Submission:

Labcorp Genetics (formerly Invitae), Labcorp
Classification: Pathogenic for Walker-Warburg congenital muscular dystrophy. Last evaluated: 2018-01-23. Review status: criteria provided, single submitter. Criteria: Invitae Variant Classification Sherloc (09022015). Collection method: clinical testing. Allele origin: germline.
Comment: This sequence change results in a premature translational stop signal in the FKRP gene (p.Asp360Glyfs*69). While this is not anticipated to result in nonsense mediated decay, it is expected to disrupt the last 136 amino acids of the FKRP protein. This variant is not present in population databases (ExAC no frequency). This variant has not been reported in the literature in individuals with FKRP-related disease. A different truncation (c.1170_1171delCG, also known as c.1167_1168delGC) that lies downstream of this variant has been determined to be pathogenic (PMID: 15833426, 28629604, 27363342, 26320847). This suggests that deletion of this region of the FKRP protein is causative of disease. For these reasons, this variant has been classified as Pathogenic.

Literature cited by the submitters: PubMed 15833426; PubMed 26320847; PubMed 28629604; PubMed 27363342.

NM_024301.5(FKRP):c.1077_1078dup (p.Asp360fs)

Gene: FKRP (fukutin related protein; plus strand). Cytogenetic location: 19q13.32.
Variant type: Duplication.
Coding change: c.1077_1078dup on transcript NM_024301.5 (MANE Select); coding-DNA positions 1077 to 1078, 2 bases duplicated (GG; older notation c.1077_1078dupGG).
Protein change: p.Asp360fs; shifts the reading frame from aspartic acid 360.
Molecular consequence: frameshift variant.
Genome position (GRCh38, 1-based): chr19:46,756,527-46,756,528, GG duplicated; duplicating any 2 consecutive bases within chr19:46,756,526-46,756,528 gives the same sequence; the c. name uses the placement nearest the transcript's 3' end. VCF-style (leftmost placement, unchanged base first): chr19-46756525-T-TGG. GRCh37 (hg19) VCF-style: chr19-47259782-T-TGG.
Other names: c.1077_1078dup, p.Asp360fs (NM_001039885.3); c.1077_1078dupGG (NM_024301.4); short protein forms D360fs.
Identifiers: ClinVar variation 580998 (VCV000580998.1), dbSNP rs1568419860, ClinGen allele CA891844245.